The following is an entry in ClinVar:

ClinVar aggregate classification (germline): Conflicting classifications of pathogenicity. Review status: criteria provided, conflicting classifications (1 of 4 stars). 2 submissions from 2 submitters: Pathogenic (1); Uncertain significance (1). Last evaluated 2022-04-08.

Conditions:
Eichsfeld type congenital muscular dystrophy (CMYO3). Also called: MYOPATHY, SEPN1-RELATED; Rigid spine muscular dystrophy 1; SELENON-related myopathy; Congenital myopathy 3 with rigid spine. Identifiers: MedGen C0410180, MONDO:0100100, OMIM 602771.

Allele frequency attached by ClinVar (database versions not stated): gnomAD 0.00001; gnomAD exomes 0.00001; 1000 Genomes Project 30x 0.00031.
gnomAD v4.1: 3 of 305,882 alleles (0.00098%); highest among the groups gnomAD compares: African/African-American, 0.0045%; no homozygotes.

Submissions (2):

Revvity Omics, Revvity
Classification: Uncertain significance for Eichsfeld type congenital muscular dystrophy. Last evaluated: 2022-04-08. Review status: criteria provided, single submitter. Criteria: ACMG Guidelines, 2015. Collection method: clinical testing. Allele origin: germline.

Labcorp Genetics (formerly Invitae), Labcorp
Classification: Pathogenic for Eichsfeld type congenital muscular dystrophy. Last evaluated: 2020-02-17. Review status: criteria provided, single submitter. Criteria: Invitae Variant Classification Sherloc (09022015). Collection method: clinical testing. Allele origin: germline.
Comment: The frequency data for this variant in the population databases is considered unreliable, as metrics indicate insufficient coverage at this position in the ExAC database. This sequence change creates a premature translational stop signal (p.Trp124*) in the SELENON gene. It is expected to result in an absent or disrupted protein product. This variant has not been reported in the literature in individuals with SELENON-related conditions. Loss-of-function variants in SELENON are known to be pathogenic (PMID: 21131290, 21670436). For these reasons, this variant has been classified as Pathogenic.

Literature cited by the submitters: PubMed 21131290 (cited by Labcorp Genetics (formerly Invitae), Labcorp); PubMed 21670436 (cited by Labcorp Genetics (formerly Invitae), Labcorp).

NM_206926.2(SELENON):c.301+926G>A

Gene: SELENON (selenoprotein N; plus strand). Cytogenetic location: 1p36.11.
Variant type: single nucleotide variant.
Coding change: c.301+926G>A on transcript NM_206926.2 (MANE Select); 926 bases into the intron after coding-DNA position 301, G replaced by A.
Molecular consequence: intron variant. On other transcripts: nonsense (1).
Genome position (GRCh38, 1-based): chr1:25,802,086, G>A. VCF-style: chr1-25802086-G-A. GRCh37 (hg19) VCF-style: chr1-26128577-G-A.
Other names: c.372G>A, p.Trp124Ter (NM_020451.3); short protein forms W124*.
Identifiers: ClinVar variation 945382 (VCV000945382.10), dbSNP rs934913626, ClinGen allele CA19693714.